The following is an entry in ClinVar:

ClinVar aggregate classification (germline): Uncertain significance (1 of 4 stars; one submission).

Conditions:
Hypertrophic cardiomyopathy 19. Also called: Familial hypertrophic cardiomyopathy 19. Identifiers: MedGen CN077603, MONDO:0013476.

Submission:

Labcorp Genetics (formerly Invitae), Labcorp
Classification: Uncertain significance for Hypertrophic cardiomyopathy 19. Last evaluated: 2021-08-23. Review status: criteria provided, single submitter. Criteria: Invitae Variant Classification Sherloc (09022015). Collection method: clinical testing. Allele origin: germline.
Comment: In summary, the available evidence is currently insufficient to determine the role of this variant in disease. Therefore, it has been classified as a Variant of Uncertain Significance. This variant has not been reported in the literature in individuals affected with CALR3-related conditions. This variant is not present in population databases (ExAC no frequency). This sequence change creates a premature translational stop signal (p.Tyr128*) in the CALR3 gene. It is expected to result in an absent or disrupted protein product. However, the current clinical and genetic evidence is not sufficient to establish whether loss-of-function variants in CALR3 cause disease.

NM_145046.5(CALR3):c.384C>G (p.Tyr128Ter)

Gene: CALR3 (calreticulin 3; minus strand). Cytogenetic location: 19p13.11.
Variant type: single nucleotide variant.
Coding change: c.384C>G on transcript NM_145046.5 (MANE Select); coding-DNA position 384, C replaced by G.
Protein change: p.Tyr128Ter; replaces tyrosine 128 with a stop codon.
Molecular consequence: nonsense.
Genome position (GRCh38, 1-based): chr19:16,490,380, G>C on the plus strand (C>G on the coding strand, the complement: CALR3 is on the minus strand). VCF-style: chr19-16490380-G-C. GRCh37 (hg19) VCF-style: chr19-16601191-G-C.
Other names: short protein forms Y128*.
Identifiers: ClinVar variation 1377060 (VCV001377060.6), dbSNP rs2122142566, ClinGen allele CA404612914.